The following is an entry in ClinVar:

NM_000426.4(LAMA2):c.6332A>T (p.Asp2111Val)

Gene: LAMA2 (laminin subunit alpha 2; plus strand). Cytogenetic location: 6q22.33.
Variant type: single nucleotide variant.
Coding change: c.6332A>T on transcript NM_000426.4 (MANE Select); coding-DNA position 6332, A replaced by T.
Protein change: p.Asp2111Val; replaces aspartic acid 2111 with valine.
Molecular consequence: missense variant.
Genome position (GRCh38, 1-based): chr6:129,445,724, A>T. VCF-style: chr6-129445724-A-T. GRCh37 (hg19) VCF-style: chr6-129766869-A-T.
Other names: c.6332A>T, p.Asp2111Val (NM_001079823.2); short protein forms D2111V.
Identifiers: ClinVar variation 1807349 (VCV001807349.8), dbSNP rs371697379, ClinGen allele CA3994243.

ClinVar aggregate classification (germline): Uncertain significance. Review status: criteria provided, multiple submitters, no conflicts (2 of 4 stars). 4 submissions from 4 submitters: Uncertain significance (4). Last evaluated 2024-12-20.

Conditions:
LAMA2-related muscular dystrophy (LAMA2-RD). Also called: Laminin alpha 2-related dystrophy. Identifiers: MedGen C5679788, MONDO:0100228.
Inborn genetic diseases. Identifiers: MedGen C0950123, MeSH D030342.

Allele frequency attached by ClinVar (database versions not stated): gnomAD 0.00001; gnomAD exomes 0.00001; ExAC 0.00003; ESP Exome Variant Server 0.00015.
gnomAD v4.1: 16 of 1,613,806 alleles (0.00099%); highest among the groups gnomAD compares: Non-Finnish European, 0.0013%; no homozygotes.

Submissions (4):

Labcorp Genetics (formerly Invitae), Labcorp
Classification: Uncertain significance for LAMA2-related muscular dystrophy. Last evaluated: 2024-12-20. Review status: criteria provided, single submitter. Criteria: Invitae Variant Classification Sherloc (09022015). Collection method: clinical testing. Allele origin: germline.
Comment: This sequence change replaces aspartic acid, which is acidic and polar, with valine, which is neutral and non-polar, at codon 2111 of the LAMA2 protein (p.Asp2111Val). This variant is present in population databases (rs371697379, gnomAD 0.006%). This variant has not been reported in the literature in individuals affected with LAMA2-related conditions. ClinVar contains an entry for this variant (Variation ID: 1807349). Invitae Evidence Modeling of protein sequence and biophysical properties (such as structural, functional, and spatial information, amino acid conservation, physicochemical variation, residue mobility, and thermodynamic stability) indicates that this missense variant is not expected to disrupt LAMA2 protein function with a negative predictive value of 95%. In summary, the available evidence is currently insufficient to determine the role of this variant in disease. Therefore, it has been classified as a Variant of Uncertain Significance.

Ambry Genetics
Classification: Uncertain significance for Inborn genetic diseases. Last evaluated: 2022-06-28. Review status: criteria provided, single submitter. Criteria: Ambry Variant Classification Scheme 2023. Collection method: clinical testing. Allele origin: germline.

Athena Diagnostics
Classification: Uncertain significance. Last evaluated: 2021-09-24. Review status: criteria provided, single submitter. Criteria: Athena Diagnostics Criteria. Collection method: clinical testing. Allele origin: unknown.

Revvity Omics, Revvity
Classification: Uncertain significance. Last evaluated: 2021-04-08. Review status: criteria provided, single submitter. Criteria: ACMG Guidelines, 2015. Collection method: clinical testing. Allele origin: germline.